The following is an entry in ClinVar:

ClinVar aggregate classification (germline): Uncertain significance (1 of 4 stars; one submission).

Conditions:
Dilated cardiomyopathy 1AA (CMD1AA). Also called: CARDIOMYOPATHY, FAMILIAL HYPERTROPHIC, 23, WITH OR WITHOUT LEFT VENTRICULAR NONCOMPACTION; CARDIOMYOPATHY, DILATED, 1AA, WITH OR WITHOUT LEFT VENTRICULAR NONCOMPACTION; Cardiomyopathy, dilated, 1AA, with or without LVNC. Identifiers: Orphanet 154, MedGen C2677338, MONDO:0012808, OMIM 612158.
Primary familial hypertrophic cardiomyopathy (HCM). Identifiers: Orphanet 99739, MedGen C0949658, MeSH D024741, MONDO:0024573. Inheritance: Various modes of inheritance.

Submission:

Labcorp Genetics (formerly Invitae), Labcorp
Classification: Uncertain significance for Primary familial hypertrophic cardiomyopathy; Dilated cardiomyopathy 1AA. Last evaluated: 2022-03-18. Review status: criteria provided, single submitter. Criteria: Invitae Variant Classification Sherloc (09022015). Collection method: clinical testing. Allele origin: germline.
Comment: This sequence change replaces lysine, which is basic and polar, with arginine, which is basic and polar, at codon 128 of the ACTN2 protein (p.Lys128Arg). This variant is not present in population databases (gnomAD no frequency). This variant has not been reported in the literature in individuals affected with ACTN2-related conditions. Advanced modeling of protein sequence and biophysical properties (such as structural, functional, and spatial information, amino acid conservation, physicochemical variation, residue mobility, and thermodynamic stability) performed at Invitae indicates that this missense variant is not expected to disrupt ACTN2 protein function. In summary, the available evidence is currently insufficient to determine the role of this variant in disease. Therefore, it has been classified as a Variant of Uncertain Significance.

NM_001103.4(ACTN2):c.383A>G (p.Lys128Arg)

Gene: ACTN2 (actinin alpha 2; plus strand). Cytogenetic location: 1q43.
Variant type: single nucleotide variant.
Coding change: c.383A>G on transcript NM_001103.4 (MANE Select); coding-DNA position 383, A replaced by G.
Protein change: p.Lys128Arg; replaces lysine 128 with arginine.
Molecular consequence: missense variant. On other transcripts: 5 prime UTR variant (1).
Genome position (GRCh38, 1-based): chr1:236,720,126, A>G. VCF-style: chr1-236720126-A-G. GRCh37 (hg19) VCF-style: chr1-236883426-A-G.
Other names: c.383A>G, p.Lys128Arg (NM_001278343.2); c.-439A>G (NM_001278344.2); c.-564A>G (NM_001412150.1); short protein forms K128R.
Identifiers: ClinVar variation 2114000 (VCV002114000.4), dbSNP rs2527542862, ClinGen allele CA345373768.